The following is an entry in ClinVar:

NM_001710.6(CFB):c.1973G>A (p.Arg658Lys)

Gene: CFB (complement factor B; plus strand). Cytogenetic location: 6p21.33.
Variant type: single nucleotide variant.
Coding change: c.1973G>A on transcript NM_001710.6 (MANE Select); coding-DNA position 1973, G replaced by A.
Protein change: p.Arg658Lys; replaces arginine 658 with lysine.
Molecular consequence: missense variant.
Genome position (GRCh38, 1-based): chr6:31,951,357, G>A. VCF-style: chr6-31951357-G-A. GRCh37 (hg19) VCF-style: chr6-31919134-G-A.
Other names: c.1973G>A (NM_001710.5); short protein forms R658K.
Identifiers: ClinVar variation 1438734 (VCV001438734.9), dbSNP rs560802683, ClinGen allele CA3728521.
Genomic context (GRCh38, chr6:31,951,357, plus strand): 5'-CACTTCTGTTCATTACTTCTCCATGCTTCCCACCTCCCCTACAGAAAGGCAGCTGTGAGA[G>A]AGATGCTCAATATGCCCCAGGCTATGACAAAGTCAAGGACATCTCAGAGGTGGTCACCCC-3'
Protein context (NP_001701.2, residues 648-668): KNGDKKGSCE[Arg658Lys]DAQYAPGYDK

ClinVar aggregate classification (germline): Uncertain significance. Review status: criteria provided, multiple submitters, no conflicts (2 of 4 stars). 2 submissions from 2 submitters: Uncertain significance (2). Last evaluated 2024-12-25.

Conditions:
CFB-related disorder. Also called: CFB-related disorders; CFB-related condition.

Allele frequency attached by ClinVar (database versions not stated): gnomAD 0.00001 and 0.00002; gnomAD exomes 0.00002; ExAC 0.00003; 1000 Genomes Project 30x 0.00016; 1000 Genomes Project 0.00020.
gnomAD v4.1: 33 of 1,614,204 alleles (0.002%); highest among the groups gnomAD compares: Non-Finnish European, 0.0027%; no homozygotes.

Submissions (2):

Labcorp Genetics (formerly Invitae), Labcorp
Classification: Uncertain significance. Last evaluated: 2024-12-25. Review status: criteria provided, single submitter. Criteria: Invitae Variant Classification Sherloc (09022015). Collection method: clinical testing. Allele origin: germline.
Comment: This sequence change replaces arginine, which is basic and polar, with lysine, which is basic and polar, at codon 658 of the CFB protein (p.Arg658Lys). This variant is present in population databases (rs560802683, gnomAD 0.004%). This variant has not been reported in the literature in individuals affected with CFB-related conditions. ClinVar contains an entry for this variant (Variation ID: 1438734). Invitae Evidence Modeling of protein sequence and biophysical properties (such as structural, functional, and spatial information, amino acid conservation, physicochemical variation, residue mobility, and thermodynamic stability) indicates that this missense variant is not expected to disrupt CFB protein function with a negative predictive value of 80%. In summary, the available evidence is currently insufficient to determine the role of this variant in disease. Therefore, it has been classified as a Variant of Uncertain Significance.

PreventionGenetics, part of Exact Sciences
Classification: Uncertain significance for CFB-related condition. Last evaluated: 2024-11-21. Review status: criteria provided, single submitter. Criteria: ACMG Guidelines, 2015. Collection method: clinical testing. Allele origin: germline.
Comment: The CFB c.1973G>A variant is predicted to result in the amino acid substitution p.Arg658Lys. To our knowledge, this variant has not been reported in the literature. This variant is reported in 0.0044% of alleles in individuals of European (Non-Finnish) descent in gnomAD. At this time, the clinical significance of this variant is uncertain due to the absence of conclusive functional and genetic evidence.